The following is an entry in ClinVar:

NM_024426.6(WT1):c.504C>T (p.His168=)

Genes: WT1 (WT1 transcription factor; minus strand), LOC107982234 (WT1/WT1-AS bi-directional promoter region; plus strand). Cytogenetic location: 11p13.
Variant type: single nucleotide variant.
Coding change: c.504C>T on transcript NM_024426.6 (MANE Select); coding-DNA position 504, C replaced by T.
Protein change: p.His168=; no amino-acid change (histidine 168 retained).
Molecular consequence: synonymous variant. On other transcripts: non-coding transcript variant (2).
Genome position (GRCh38, 1-based): chr11:32,434,857, G>A on the plus strand (C>T on the coding strand, the complement: WT1 is on the minus strand). VCF-style: chr11-32434857-G-A. GRCh37 (hg19) VCF-style: chr11-32456403-G-A.
Other names: c.504C>T, p.His168= (NM_000378.6, NM_001407044.1, NM_001407045.1 and 6 more transcripts); c.285C>T, p.His95= (NM_001429031.1, NM_001429032.1, NM_001429033.1 and 1 more transcripts).
Identifiers: ClinVar variation 4085747 (VCV004085747.8).
Genomic context (GRCh38, chr11:32,434,857, plus strand): 5'-AGGAGGACCGAAGGGCCCGTAGCGACAGGCTCCGGCTGTGCCAGTGAACTGGCCGGAAAA[G>A]TGGACAGTGAAGGCGCTCAGGCACTGCTCCTCGTGCGGCTCCGCGCCGCCCCAGCTCGGC-3'
Protein context (NP_077744.4, residues 158-178): EEQCLSAFTV[His168=]FSGQFTGTAG

ClinVar aggregate classification (germline): Likely benign (1 of 4 stars; one submission).

Submission:

CeGaT Center for Human Genetics Tuebingen
Classification: Likely benign. Last evaluated: 2025-08-01. Review status: criteria provided, single submitter. Criteria: CeGaT Center For Human Genetics Tuebingen Variant Classification Criteria Version 2. Collection method: clinical testing. Allele origin: germline. Affected: yes. Observed: 1 variant allele.
Comment: WT1: PM2:Supporting, BP4, BP7